The following is an entry in ClinVar:

ClinVar aggregate classification (germline): Uncertain significance (1 of 4 stars; one submission).

Conditions:
Familial adenomatous polyposis 1 (FAP1). Also called: FAMILIAL ADENOMATOUS POLYPOSIS 1, ATTENUATED; POLYPOSIS, ADENOMATOUS INTESTINAL. Identifiers: MedGen C2713442, MONDO:0021056, OMIM 175100. Disease mechanism: loss of function.

Submission:

Labcorp Genetics (formerly Invitae), Labcorp
Classification: Uncertain significance for Familial adenomatous polyposis 1. Last evaluated: 2023-03-13. Review status: criteria provided, single submitter. Criteria: Invitae Variant Classification Sherloc (09022015). Collection method: clinical testing. Allele origin: germline.
Comment: Advanced modeling of protein sequence and biophysical properties (such as structural, functional, and spatial information, amino acid conservation, physicochemical variation, residue mobility, and thermodynamic stability) performed at Invitae indicates that this missense variant is not expected to disrupt APC protein function. In summary, the available evidence is currently insufficient to determine the role of this variant in disease. Therefore, it has been classified as a Variant of Uncertain Significance. This variant has not been reported in the literature in individuals affected with APC-related conditions. This variant is not present in population databases (gnomAD no frequency). This sequence change replaces glutamine, which is neutral and polar, with leucine, which is neutral and non-polar, at codon 1095 of the APC protein (p.Gln1095Leu).

NM_000038.6(APC):c.3284A>T (p.Gln1095Leu)

Gene: APC (APC regulator of Wnt signaling pathway; plus strand). Cytogenetic location: 5q22.2.
Variant type: single nucleotide variant.
Coding change: c.3284A>T on transcript NM_000038.6 (MANE Select); coding-DNA position 3284, A replaced by T.
Protein change: p.Gln1095Leu; replaces glutamine 1095 with leucine.
Molecular consequence: missense variant. On other transcripts: non-coding transcript variant (2).
Genome position (GRCh38, 1-based): chr5:112,838,878, A>T. VCF-style: chr5-112838878-A-T. GRCh37 (hg19) VCF-style: chr5-112174575-A-T.
Other names: c.3284A>T, p.Gln1095Leu (NM_001127510.3, NM_001354895.2, NM_001407450.1); c.3230A>T, p.Gln1077Leu (NM_001127511.3); c.3338A>T, p.Gln1113Leu (NM_001354896.2, NM_001407447.1, NM_001407448.1 and 1 more transcripts); c.3314A>T, p.Gln1105Leu (NM_001354897.2); c.3209A>T, p.Gln1070Leu (NM_001354898.2); c.3200A>T, p.Gln1067Leu (NM_001354899.2); c.3161A>T, p.Gln1054Leu (NM_001354900.2); c.3107A>T, p.Gln1036Leu (NM_001354901.2, NM_001407453.1); and 11 more; short protein forms Q1054L, Q1067L, Q1085L, Q1095L, Q711L, Q1077L, Q1088L, Q1113L.
Identifiers: ClinVar variation 2845398 (VCV002845398.3), dbSNP rs2149888743, ClinGen allele CA16028544.
Genomic context (GRCh38, chr5:112,838,878, plus strand): 5'-ATCCTGTTTATACTGAGAGCACTGATGATAAACACCTCAAGTTCCAACCACATTTTGGAC[A>T]GCAGGAATGTGTTTCTCCATACAGGTCACGGGGAGCCAATGGTTCAGAAACAAATCGAGT-3'
Protein context (NP_000029.2, residues 1085-1105): KHLKFQPHFG[Gln1095Leu]QECVSPYRSR